The following is an entry in ClinVar:

NM_002292.4(LAMB2):c.4928A>G (p.Gln1643Arg)

Gene: LAMB2 (laminin subunit beta 2; minus strand). Cytogenetic location: 3p21.31.
Variant type: single nucleotide variant.
Coding change: c.4928A>G on transcript NM_002292.4 (MANE Select); coding-DNA position 4928, A replaced by G.
Protein change: p.Gln1643Arg; replaces glutamine 1643 with arginine.
Molecular consequence: missense variant.
Genome position (GRCh38, 1-based): chr3:49,121,856, T>C on the plus strand (A>G on the coding strand, the complement: LAMB2 is on the minus strand). VCF-style: chr3-49121856-T-C. GRCh37 (hg19) VCF-style: chr3-49159289-T-C.
Other names: short protein forms Q1643R.
Identifiers: ClinVar variation 1170847 (VCV001170847.9), dbSNP rs201844235, ClinGen allele CA2393651.

ClinVar aggregate classification (germline): Conflicting classifications of pathogenicity. Review status: criteria provided, conflicting classifications (1 of 4 stars). 3 submissions from 3 submitters: Uncertain significance (2); Benign (1). Last evaluated 2025-08-04.

Conditions:
LAMB2-related infantile-onset nephrotic syndrome. Also called: Nephrotic Syndrome, type 5; NEPHROTIC SYNDROME, TYPE 5, WITHOUT OCULAR ABNORMALITIES; NEPHROTIC SYNDROME, TYPE 5, WITH OCULAR ABNORMALITIES. Identifiers: Orphanet 306507, MedGen C3280113, MONDO:0013621, OMIM 614199.
Pierson syndrome. Also called: MICROCORIA-CONGENITAL NEPHROTIC SYNDROME. Identifiers: OMIM 609049, Orphanet 2670, MedGen C1836876, MONDO:0012184.

Allele frequency attached by ClinVar (database versions not stated): TOPMed 0.00002; gnomAD 0.00010; gnomAD exomes 0.00017 and 0.00031; 1000 Genomes Project 30x 0.00031; 1000 Genomes Project 0.00040; ExAC 0.00041.
gnomAD v4.1: 253 of 1,613,214 alleles (0.016%); highest among the groups gnomAD compares: South Asian, 0.26%; 2 homozygotes.

Submissions (3):

Labcorp Genetics (formerly Invitae), Labcorp
Classification: Benign for LAMB2-related infantile-onset nephrotic syndrome; Pierson syndrome. Last evaluated: 2025-08-04. Review status: criteria provided, single submitter. Criteria: Invitae Variant Classification Sherloc (09022015). Collection method: clinical testing. Allele origin: germline.

Women's Health and Genetics/Laboratory Corporation of America, LabCorp
Classification: Uncertain significance. Last evaluated: 2025-02-05. Review status: criteria provided, single submitter. Criteria: LabCorp Variant Classification Summary - May 2015. Collection method: clinical testing. Allele origin: germline.
Comment: Variant summary: LAMB2 c.4928A>G (p.Gln1643Arg) results in a conservative amino acid change in the encoded protein sequence. Five of five in-silico tools predict a benign effect of the variant on protein function. The variant allele was found at a frequency of 0.00031 in 250676 control chromosomes in the gnomAD database, including 1 homozygotes. This frequency is not significantly higher than estimated for a pathogenic variant in LAMB2 causing Pierson Syndrome, allowing no conclusion about variant significance. To our knowledge, no occurrence of c.4928A>G in individuals affected with Pierson Syndrome and no experimental evidence demonstrating its impact on protein function have been reported. ClinVar contains an entry for this variant (Variation ID: 1170847). Based on the evidence outlined above, the variant was classified as uncertain significance.

Blueprint Genetics
Classification: Uncertain significance. Last evaluated: 2022-12-19. Review status: criteria provided, single submitter. Criteria: ACMG Guidelines, 2015. Collection method: clinical testing. Allele origin: germline.